The following is an entry in ClinVar:

ClinVar aggregate classification (germline): Uncertain significance (1 of 4 stars; one submission).

Conditions:
Hereditary pheochromocytoma and paraganglioma. Also called: Hereditary pheochromocytoma-paraganglioma; Hereditary paragangliomas and pheochromocytomas; Hereditary Paraganglioma-Pheochromocytoma Syndromes. Identifiers: Orphanet 29072, MedGen C4274332, MONDO:0017366.

Submission:

Labcorp Genetics (formerly Invitae), Labcorp
Classification: Uncertain significance for Hereditary pheochromocytoma and paraganglioma. Last evaluated: 2019-11-27. Review status: criteria provided, single submitter. Criteria: Invitae Variant Classification Sherloc (09022015). Collection method: clinical testing. Allele origin: germline.
Comment: In summary, the available evidence is currently insufficient to determine the role of this variant in disease. Therefore, it has been classified as a Variant of Uncertain Significance. Algorithms developed to predict the effect of missense changes on protein structure and function (SIFT, PolyPhen-2, Align-GVGD) all suggest that this variant is likely to be disruptive, but these predictions have not been confirmed by published functional studies and their clinical significance is uncertain. This variant has not been reported in the literature in individuals with SDHAF2-related conditions. This variant is not present in population databases (ExAC no frequency). This sequence change replaces leucine with valine at codon 70 of the SDHAF2 protein (p.Leu70Val). The leucine residue is highly conserved and there is a small physicochemical difference between leucine and valine.

NM_017841.4(SDHAF2):c.208C>G (p.Leu70Val)

Gene: SDHAF2 (succinate dehydrogenase complex assembly factor 2; plus strand). Cytogenetic location: 11q12.2.
Variant type: single nucleotide variant.
Coding change: c.208C>G on transcript NM_017841.4 (MANE Select); coding-DNA position 208, C replaced by G.
Protein change: p.Leu70Val; replaces leucine 70 with valine.
Molecular consequence: missense variant.
Genome position (GRCh38, 1-based): chr11:61,437,796, C>G. VCF-style: chr11-61437796-C-G. GRCh37 (hg19) VCF-style: chr11-61205268-C-G.
Other names: short protein forms L70V.
Identifiers: ClinVar variation 860148 (VCV000860148.9), dbSNP rs1862011903, ClinGen allele CA380683643.